The following is an entry in ClinVar:

ClinVar aggregate classification (germline): Uncertain significance (1 of 4 stars; one submission).

Conditions:
Familial cancer of breast. Also called: BREAST CANCER, FAMILIAL; Hereditary breast cancer; hereditary breast carcinoma. Identifiers: Orphanet 227535, MedGen C0346153, MONDO:0016419, OMIM 114480. Disease mechanism: loss of function.

Submission:

Labcorp Genetics (formerly Invitae), Labcorp
Classification: Uncertain significance for Familial cancer of breast. Last evaluated: 2025-07-31. Review status: criteria provided, single submitter. Criteria: Invitae Variant Classification Sherloc (09022015). Collection method: clinical testing. Allele origin: germline.
Comment: This sequence change replaces serine, which is neutral and polar, with glycine, which is neutral and non-polar, at codon 849 of the PALB2 protein (p.Ser849Gly). This variant is not present in population databases (gnomAD no frequency). This variant has not been reported in the literature in individuals affected with PALB2-related conditions. ClinVar contains an entry for this variant (Variation ID: 1389443). Invitae Evidence Modeling of protein sequence and biophysical properties (such as structural, functional, and spatial information, amino acid conservation, physicochemical variation, residue mobility, and thermodynamic stability) indicates that this missense variant is not expected to disrupt PALB2 protein function with a negative predictive value of 80%. In summary, the available evidence is currently insufficient to determine the role of this variant in disease. Therefore, it has been classified as a Variant of Uncertain Significance.

NM_024675.4(PALB2):c.2545A>G (p.Ser849Gly)

Gene: PALB2 (partner and localizer of BRCA2; minus strand). Cytogenetic location: 16p12.2.
Variant type: single nucleotide variant.
Coding change: c.2545A>G on transcript NM_024675.4 (MANE Select); coding-DNA position 2545, A replaced by G.
Protein change: p.Ser849Gly; replaces serine 849 with glycine.
Molecular consequence: missense variant.
Genome position (GRCh38, 1-based): chr16:23,629,245, T>C on the plus strand (A>G on the coding strand, the complement: PALB2 is on the minus strand). VCF-style: chr16-23629245-T-C. GRCh37 (hg19) VCF-style: chr16-23640566-T-C.
Other names: short protein forms S849G.
Identifiers: ClinVar variation 1389443 (VCV001389443.7), dbSNP rs2142368594, ClinGen allele CA395123795.